The following continues an entry in ClinVar:

NM_014874.4(MFN2):c.2119C>T (p.Arg707Trp)

Gene: MFN2. ClinVar aggregate classification (germline): Pathogenic/Likely pathogenic. Pathogenic (23); Likely pathogenic (6).

Submissions 28 to 33 of 33:

Center for Genomics, Ann and Robert H. Lurie Children's Hospital of Chicago
Classification: Pathogenic for Charcot-Marie-Tooth disease type 2A2; Charcot-Marie-Tooth disease, axonal, autosomal recessive, type 2a2b;; Neuropathy, hereditary motor and sensory, type 6A. Review status: criteria provided, single submitter. Criteria: ACMG Guidelines, 2015. Collection method: clinical testing. Allele origin: germline.
Comment: MFN2 NM_014874.3 exon 18 p.Arg707Trp (c.2119C>T): This variant has been reported in the literature in the heterozygous, compound heterozygous, or homozygous state in several individuals with axonal neuropathy, segregating with at least 3 affected family members within 2 families (Nicholson 2008 PMID:18458227, Calvo 2009 PMID:20008656, Brozkova 2013 PMID:24126688, Hoyer 2014 PMID:25025039, Sawyer 2015 PMID:26085578, Bansagi 2017 PMID:28251916). This variant has also been reported in individuals with multiple symmetric lipomatosis in addition to neuropathy (Carr 2015 PMID:26114802, Sawyer 2015 PMID:26085578). This variant is present in 0.05% (66/129186) of European alleles in the Genome Aggregation Database. Please note, disease causing variants may be present in control databases at low frequencies, reflective of the general population, carrier status, and/or variable expressivity. This variant is also present in ClinVar, with several labs classifying this variant as pathogenic or likely pathogenic (Variation ID:2280). Evolutionary conservation and computational predictive tools suggest that this variant may impact the protein. In addition, a functional study in fibroblasts has shown a deleterious effect of this variant (Sawyer 2015 PMID:26085578). However, this study may not accurately represent in vivo biological function. In summary, this variant is classified as pathogenic based on the data above.

Molecular Genetics Laboratory, London Health Sciences Centre
Classification: Pathogenic for Charcot-Marie-Tooth disease. Review status: criteria provided, single submitter. Criteria: ACMG Guidelines, 2015. Collection method: clinical testing. Allele origin: germline. Affected: yes.

PreventionGenetics, part of Exact Sciences
Classification: Pathogenic for MFN2-related condition. Last evaluated: 2024-02-20. Review status: no assertion criteria provided. Collection method: clinical testing. Allele origin: germline. Not counted in ClinVar's aggregate classification.
Comment: The MFN2 c.2119C>T variant is predicted to result in the amino acid substitution p.Arg707Trp. This variant has previously been reported in several individuals with diverse phenotypes. In an individual with severe early-onset axonal neuropathy and lipodystrophy, this variant was found in the homozygous state (Nicholson et al. 2008. PubMed ID: 18458227). In another study, six patients from five families presented with a lipodystrophy with variable Charcot-Marie-Tooth features; each of these individuals harbored the p.Arg707Trp variant in the homozygous state (Capel et al. 2018. PubMed ID: 30158064). In another family with two brothers affected with multiple symmetric lipomatosis and neuropathy, whole exome sequencing identified they were also homozygous for the c.2119C>T variant (Sawyer et al. 2015. PubMed ID: 26085578). In another family with three affected children with early-onset Charcot-Marie-Tooth disease, all were found to be compound heterozygous for the c.2119C>T variant and a second plausible causative variant (Calvo et al. 2009. PubMed ID: 20008656). Lastly, this variant was found in the compound heterozygous state with an exon 7-8 deletion in an individual with suspected Charcot-Marie-Tooth disease (Carr et al. 2015. PubMed ID: 26114802). Functional studies in fibroblasts show that the p.Arg707Trp variant impairs MFN2-MFN2 protein interactions in mitochondria, making mitochondria prone to perinuclear aggregation (Sawyer et al. 2015. PubMed ID: 26085578). In summary, this evidence suggests the c.2119C>T variant is inherited in an autosomal recessive manner and is pathogenic for disease.

Practice for Gait Abnormalities, David Pomarino, Competency Network Toe Walking C/o Practice Pomarino
Classification: Likely pathogenic for Tip-toe gait. Last evaluated: 2022-06-14. Review status: no assertion criteria provided. Collection method: clinical testing. Allele origin: germline. Affected: yes. Not counted in ClinVar's aggregate classification.
Comment: Hereditary motor sensory neuropathy (HMSN), also known as Charcot-Marie-Tooth Disease (CMT), is the most commonly inherited peripheral polyneuropathy. It constitutes a group of inherited, progressive, motor and sensory peripheral nerve disorders with properties of demyelination, axonal degeneration, or both. It is classified by clinical characteristics, modes of inheritance, electrophysiologic features, metabolic defects, and specific gene markers. Our patients all walk on tiptoe, so they show similar symptoms. When we genetically test them with our toe walking panel, we find that around 90 per cent of them have a genetic variant that explains their toe walking. These can be assigned, for example, to the area of myopathies (such as variants of the COL6A3 gene), the area of hereditary neuropathies (such as variants of the KMT2C gene) or the area of metabolic diseases (such as variants of the PYGM gene). In a smaller group of patients with almost identical symptoms, no abnormality is found in the genes of our panel, but spastic paraplegia can be detected. In another small group of our toe walkers, no abnormalities can be detected in the genes analysed in our toe walking panel, nor do they suffer from spastic paraplegia, as is also the case with healthy children. In contrast to these, however, they show a tiptoe gait. These patients suffer from infantile cerebral palsy, in which toe walking can also be observed.

OMIM
Classification: Pathogenic for LIPOMATOSIS, MULTIPLE SYMMETRIC, WITH OR WITHOUT AXONAL PERIPHERAL NEUROPATHY. Last evaluated: 2008-05-06. Review status: no assertion criteria provided. Collection method: literature only. Allele origin: germline. Not counted in ClinVar's aggregate classification.

OMIM
Classification: Pathogenic for CHARCOT-MARIE-TOOTH DISEASE, AXONAL, TYPE 2A2B, AUTOSOMAL RECESSIVE. Last evaluated: 2008-05-06. Review status: no assertion criteria provided. Collection method: literature only. Allele origin: germline. Not counted in ClinVar's aggregate classification.

Literature cited by the submitters: PubMed 18458227 (cited by 10 submitters); PubMed 20008656 (cited by 9 submitters); PubMed 26085578 (cited by 13 submitters); PubMed 26114802 (cited by 7 submitters); PubMed 28414270 (cited by 8 submitters); PubMed 35641312 (cited by Variantyx, Inc.); PubMed 2926664 (cited by Variantyx, Inc.); PubMed 22492563 (cited by 5 submitters); PubMed 24126688 (cited by 7 submitters); PubMed 31589614 (cited by Variantyx, Inc.); PubMed 31980526 (cited by Variantyx, Inc.); PubMed 34426522 (cited by Variantyx, Inc.); PubMed 35468369 (cited by Variantyx, Inc.); PubMed 38887266 (cited by Variantyx, Inc.); PubMed 20350294 (cited by 6 submitters); PubMed 34114234 (cited by Variantyx, Inc.); PubMed 25025039 (cited by 3 submitters); PubMed 28251916 (cited by 5 submitters); PubMed 30158064 (cited by 6 submitters); PubMed 33415332 (cited by 4 submitters); PubMed 20482598 (cited by Ambry Genetics); PubMed 33502018 (cited by Ambry Genetics); PubMed 26686600 (cited by Victorian Clinical Genetics Services, Murdoch Childrens Research Institute); PubMed 29358271 (cited by Laboratory for Molecular Medicine, Mass General Brigham Personalized Medicine); PubMed 37091313 (cited by Practice for Gait Abnormalities, David Pomarino, Competency Network Toe Walking C/o Practice Pomarino).